The following is an entry in ClinVar:

ClinVar aggregate classification (germline): Uncertain significance (1 of 4 stars; one submission).

Conditions:
CAMTA1-related disorder. Also called: CAMTA1-related condition.

Submission:

PreventionGenetics, part of Exact Sciences
Classification: Uncertain significance for CAMTA1-related condition. Last evaluated: 2026-05-14. Review status: criteria provided, single submitter. Criteria: ACMG Guidelines, 2015. Collection method: clinical testing. Allele origin: germline.
Comment: The CAMTA1 c.3922_3930del9 variant is predicted to result in an in-frame deletion (p.Ala1308_Phe1310del). To our knowledge, this variant has not been reported in the literature or in a large population database (gnomAD), indicating this variant is rare. At this time, the clinical significance of this variant is uncertain due to the absence of conclusive functional and genetic evidence.

NM_015215.4(CAMTA1):c.3922_3930del (p.Ala1308_Phe1310del)

Genes: CAMTA1 (calmodulin binding transcription activator 1; plus strand), LOC126805603 (CDK7 strongly-dependent group 2 enhancer GRCh37_chr1:7798026-7799225; plus strand). Cytogenetic location: 1p36.23.
Variant type: Deletion.
Coding change: c.3922_3930del on transcript NM_015215.4 (MANE Select); coding-DNA positions 3922 to 3930, 9 bases deleted (GCAGCATTT; older notation c.3922_3930delGCAGCATTT).
Protein change: p.Ala1308_Phe1310del.
Molecular consequence: inframe deletion. On other transcripts: intron variant (13).
Genome position (GRCh38, 1-based): chr1:7,738,222-7,738,230, GCAGCATTT deleted; deleting any 9 consecutive bases within chr1:7,738,221-7,738,230 gives the same sequence; the c. name uses the placement nearest the transcript's 3' end. VCF-style (leftmost placement, unchanged base first): chr1-7738220-CTGCAGCATT-C. GRCh37 (hg19) VCF-style: chr1-7798280-CTGCAGCATT-C.
Other names: c.3832_3840del, p.Ala1278_Phe1280del (NM_001349608.2); c.1051_1059del, p.Ala351_Phe353del (NM_001349613.1); c.994_1002del, p.Ala332_Phe334del (NM_001349614.1, NM_001349615.2, NM_001349616.2 and 2 more transcripts); c.3659-76_3659-68del (NM_001349609.2, NM_001349610.2, NM_001410737.1); c.3587-76_3587-68del (NM_001410738.1); c.3569-76_3569-68del (NM_001349612.2); c.731-76_731-68del (NM_001349620.1, NM_001349621.1, NM_001349625.2 and 5 more transcripts).
Identifiers: ClinVar variation 3358024 (VCV003358024.2).